The following is an entry in ClinVar:

ClinVar aggregate classification (germline): Uncertain significance. Review status: criteria provided, multiple submitters, no conflicts (2 of 4 stars). 2 submissions from 2 submitters: Uncertain significance (2). Last evaluated 2025-04-29.

Conditions:
Cardiovascular phenotype. Identifiers: MedGen CN230736.

Allele frequency attached by ClinVar (database versions not stated): gnomAD exomes below 0.00001; gnomAD 0.00001; TOPMed 0.00002.
gnomAD v4.1: 6 of 1,613,704 alleles (0.00037%); highest among the groups gnomAD compares: African/African-American, 0.0013%; no homozygotes.

Submissions (2):

GeneDx
Classification: Uncertain significance. Last evaluated: 2025-04-29. Review status: criteria provided, single submitter. Criteria: GeneDx Variant Classification Process June 2021. Collection method: clinical testing. Allele origin: germline. Affected: yes.
Comment: Not observed at significant frequency in large population cohorts (gnomAD); In silico analysis indicates that this missense variant does not alter protein structure/function; Has not been previously published as pathogenic or benign to our knowledge

Ambry Genetics
Classification: Uncertain significance for Cardiovascular phenotype. Last evaluated: 2024-08-27. Review status: criteria provided, single submitter. Criteria: Ambry Variant Classification Scheme 2023. Collection method: clinical testing. Allele origin: germline.

NM_000384.3(APOB):c.2230G>A (p.Asp744Asn)

Gene: APOB (apolipoprotein B; minus strand). Cytogenetic location: 2p24.1.
Variant type: single nucleotide variant.
Coding change: c.2230G>A on transcript NM_000384.3 (MANE Select); coding-DNA position 2230, G replaced by A.
Protein change: p.Asp744Asn; replaces aspartic acid 744 with asparagine.
Molecular consequence: missense variant.
Genome position (GRCh38, 1-based): chr2:21,026,802, C>T on the plus strand (G>A on the coding strand, the complement: APOB is on the minus strand). VCF-style: chr2-21026802-C-T. GRCh37 (hg19) VCF-style: chr2-21249674-C-T.
Other names: short protein forms D744N.
Identifiers: ClinVar variation 1788106 (VCV001788106.4), dbSNP rs1237885120, ClinGen allele CA346013074.